The following is an entry in ClinVar:

NM_021625.5(TRPV4):c.79G>A (p.Gly27Ser)

Gene: TRPV4 (transient receptor potential cation channel subfamily V member 4; minus strand). Cytogenetic location: 12q24.11.
Variant type: single nucleotide variant.
Coding change: c.79G>A on transcript NM_021625.5 (MANE Select); coding-DNA position 79, G replaced by A.
Protein change: p.Gly27Ser; replaces glycine 27 with serine.
Molecular consequence: missense variant.
Genome position (GRCh38, 1-based): chr12:109,814,718, C>T on the plus strand (G>A on the coding strand, the complement: TRPV4 is on the minus strand). VCF-style: chr12-109814718-C-T. GRCh37 (hg19) VCF-style: chr12-110252523-C-T.
Other names: c.79G>A, p.Gly27Ser (NM_001177428.2, NM_001177431.2, NM_001177433.2 and 1 more transcripts); short protein forms G27S.
Identifiers: ClinVar variation 2138946 (VCV002138946.4), dbSNP rs1234933285, ClinGen allele CA386660919.

ClinVar aggregate classification (germline): Uncertain significance (1 of 4 stars; one submission).

Conditions:
Charcot-Marie-Tooth disease axonal type 2C (HMSN2C). Also called: CHARCOT-MARIE-TOOTH DISEASE, AXONAL, AUTOSOMAL DOMINANT, TYPE 2C; Charcot-Marie-Tooth Neuropathy Type 2C; Charcot-Marie-Tooth Disease Type 2, TRPV4-Related (CMT2C). Identifiers: Orphanet 99937, MedGen C1853710, MONDO:0011633, OMIM 606071.

Allele frequency attached by ClinVar (database versions not stated): gnomAD 0.00001; TOPMed 0.00001.
gnomAD v4.1: 4 of 1,602,646 alleles (0.00025%); highest among the groups gnomAD compares: East Asian, 0.0045%; no homozygotes.

Submission:

Labcorp Genetics (formerly Invitae), Labcorp
Classification: Uncertain significance for Charcot-Marie-Tooth disease axonal type 2C. Last evaluated: 2023-10-09. Review status: criteria provided, single submitter. Criteria: Invitae Variant Classification Sherloc (09022015). Collection method: clinical testing. Allele origin: germline.
Comment: This sequence change replaces glycine, which is neutral and non-polar, with serine, which is neutral and polar, at codon 27 of the TRPV4 protein (p.Gly27Ser). This variant is present in population databases (no rsID available, gnomAD 0.01%). This variant has not been reported in the literature in individuals affected with TRPV4-related conditions. ClinVar contains an entry for this variant (Variation ID: 2138946). Advanced modeling of protein sequence and biophysical properties (such as structural, functional, and spatial information, amino acid conservation, physicochemical variation, residue mobility, and thermodynamic stability) performed at Invitae indicates that this missense variant is not expected to disrupt TRPV4 protein function. In summary, the available evidence is currently insufficient to determine the role of this variant in disease. Therefore, it has been classified as a Variant of Uncertain Significance.